The following is an entry in ClinVar:

ClinVar aggregate classification (germline): Conflicting classifications of pathogenicity. Review status: criteria provided, conflicting classifications (1 of 4 stars). 3 submissions from 3 submitters: Uncertain significance (2); Likely benign (1). Last evaluated 2026-02-03.

Conditions:
Renal cell carcinoma. Identifiers: Orphanet 217071, MedGen C0007134, MeSH D002292, MONDO:0005086, HP:0005584.
Hereditary cancer-predisposing syndrome. Also called: Tumor predisposition; Hereditary Cancer Syndrome; Hereditary neoplastic syndrome; Neoplastic Syndromes, Hereditary. Identifiers: Orphanet 140162, MedGen C0027672, MeSH D009386, MONDO:0015356.

Allele frequency attached by ClinVar (database versions not stated): gnomAD 0.00001; TOPMed 0.00002.
gnomAD v4.1: 9 of 1,613,630 alleles (0.00056%); highest among the groups gnomAD compares: African/African-American, 0.0027%; no homozygotes.

Submissions (3):

Labcorp Genetics (formerly Invitae), Labcorp
Classification: Uncertain significance for Renal cell carcinoma. Last evaluated: 2026-02-03. Review status: criteria provided, single submitter. Criteria: Invitae Variant Classification Sherloc (09022015). Collection method: clinical testing. Allele origin: germline.
Comment: This sequence change replaces histidine, which is basic and polar, with arginine, which is basic and polar, at codon 633 of the MET protein (p.His633Arg). This variant is present in population databases (rs45586239, gnomAD 0.007%). This variant has not been reported in the literature in individuals affected with MET-related conditions. ClinVar contains an entry for this variant (Variation ID: 411878). An algorithm developed to predict the effect of missense changes on protein structure and function outputs the following: PolyPhen-2: "Benign". The arginine amino acid residue is found in multiple mammalian species, which suggests that this missense change does not adversely affect protein function. In summary, the available evidence is currently insufficient to determine the role of this variant in disease. Therefore, it has been classified as a Variant of Uncertain Significance.

Ambry Genetics
Classification: Likely benign for Hereditary cancer-predisposing syndrome. Last evaluated: 2023-12-27. Review status: criteria provided, single submitter. Criteria: Ambry Variant Classification Scheme 2023. Collection method: clinical testing. Allele origin: germline.

GeneDx
Classification: Uncertain significance. Last evaluated: 2023-08-09. Review status: criteria provided, single submitter. Criteria: GeneDx Variant Classification Process June 2021. Collection method: clinical testing. Allele origin: germline. Affected: yes.
Comment: Not observed at significant frequency in large population cohorts (gnomAD); In silico analysis supports that this missense variant does not alter protein structure/function; Has not been previously published as pathogenic or benign to our knowledge

NM_000245.4(MET):c.1898A>G (p.His633Arg)

Gene: MET (MET proto-oncogene, receptor tyrosine kinase; plus strand). Cytogenetic location: 7q31.2.
Variant type: single nucleotide variant.
Coding change: c.1898A>G on transcript NM_000245.4 (MANE Select); coding-DNA position 1898, A replaced by G.
Protein change: p.His633Arg; replaces histidine 633 with arginine.
Molecular consequence: missense variant.
Genome position (GRCh38, 1-based): chr7:116,757,472, A>G. VCF-style: chr7-116757472-A-G. GRCh37 (hg19) VCF-style: chr7-116397526-A-G.
Other names: c.1898A>G, p.His633Arg (NM_001127500.3, NM_001324401.3); c.608A>G, p.His203Arg (NM_001324402.2); short protein forms H633R, H203R.
Identifiers: ClinVar variation 411878 (VCV000411878.10), dbSNP rs45586239, ClinGen allele CA4448319.